The following is an entry in ClinVar:

ClinVar aggregate classification (germline): Uncertain significance (1 of 4 stars; one submission).

Conditions:
Primary ciliary dyskinesia. Also called: Ciliary dyskinesia. Identifiers: Orphanet 244, MedGen C0008780, MONDO:0016575, HP:0012265.

Submission:

Labcorp Genetics (formerly Invitae), Labcorp
Classification: Uncertain significance for Primary ciliary dyskinesia. Last evaluated: 2022-11-08. Review status: criteria provided, single submitter. Criteria: Invitae Variant Classification Sherloc (09022015). Collection method: clinical testing. Allele origin: germline.
Comment: This variant has not been reported in the literature in individuals affected with DNAH5-related conditions. This variant is not present in population databases (gnomAD no frequency). This sequence change replaces asparagine, which is neutral and polar, with serine, which is neutral and polar, at codon 3429 of the DNAH5 protein (p.Asn3429Ser). ClinVar contains an entry for this variant (Variation ID: 643293). In summary, the available evidence is currently insufficient to determine the role of this variant in disease. Therefore, it has been classified as a Variant of Uncertain Significance. Algorithms developed to predict the effect of missense changes on protein structure and function (SIFT, PolyPhen-2, Align-GVGD) all suggest that this variant is likely to be disruptive.

NM_001369.3(DNAH5):c.10286A>G (p.Asn3429Ser)

Gene: DNAH5 (dynein axonemal heavy chain 5; minus strand). Cytogenetic location: 5p15.2.
Variant type: single nucleotide variant.
Coding change: c.10286A>G on transcript NM_001369.3 (MANE Select); coding-DNA position 10286, A replaced by G.
Protein change: p.Asn3429Ser; replaces asparagine 3429 with serine.
Molecular consequence: missense variant.
Genome position (GRCh38, 1-based): chr5:13,758,979, T>C on the plus strand (A>G on the coding strand, the complement: DNAH5 is on the minus strand). VCF-style: chr5-13758979-T-C. GRCh37 (hg19) VCF-style: chr5-13759088-T-C.
Other names: short protein forms N3429S.
Identifiers: ClinVar variation 643293 (VCV000643293.9), dbSNP rs1580095416, ClinGen allele CA359196015.
Genomic context (GRCh38, chr5:13,758,979, plus strand): 5'-GCCTGGGCTTTCTGCAGATCCTGCATGGCCAGGAGATGGCGATTCTCTTGCACCACCAAG[T>C]TGGCCTGCACAGGACACACACAGAGTGAAGAGATGGGCAGCCAACCTCAAAACATCCTGC-3'
Protein context (NP_001360.1, residues 3419-3439): INKEVLPLKA[Asn3429Ser]LVVQENRHLL